The following is an entry in ClinVar:

ClinVar aggregate classification (germline): Pathogenic (1 of 4 stars; one submission).

Submission:

Labcorp Genetics (formerly Invitae), Labcorp
Classification: Pathogenic. Last evaluated: 2018-10-18. Review status: criteria provided, single submitter. Criteria: Invitae Variant Classification Sherloc (09022015). Collection method: clinical testing. Allele origin: germline.
Comment: For these reasons, this variant has been classified as Pathogenic. Loss-of-function variants in MYO7A are known to be pathogenic (PMID: 8900236). This variant has not been reported in the literature in individuals with MYO7A-related disease. This variant is not present in population databases (ExAC no frequency). This sequence change creates a premature translational stop signal (p.Tyr2016*) in the MYO7A gene. It is expected to result in an absent or disrupted protein product.

Literature cited by the submitters: PubMed 8900236.

NM_000260.4(MYO7A):c.6044_6047dup (p.Tyr2016Ter)

Gene: MYO7A (myosin VIIA; plus strand). Cytogenetic location: 11q13.5.
Variant type: Duplication.
Coding change: c.6044_6047dup on transcript NM_000260.4 (MANE Select); coding-DNA positions 6044 to 6047, 4 bases duplicated (ATTA; older notation c.6044_6047dupATTA).
Protein change: p.Tyr2016Ter; replaces tyrosine 2016 with a stop codon.
Molecular consequence: nonsense.
Genome position (GRCh38, 1-based): chr11:77,208,796-77,208,799, ATTA duplicated. VCF-style (leftmost placement, unchanged base first): chr11-77208795-T-TATTA. GRCh37 (hg19) VCF-style: chr11-76919840-T-TATTA.
Other names: c.5930_5933dup, p.Tyr1978Ter (NM_001127180.2); c.5897_5900dup, p.Tyr1967Ter (NM_001369365.1); short protein forms Y1978*, Y1967*, Y2016*.
Identifiers: ClinVar variation 639321 (VCV000639321.6), dbSNP rs1591496649, ClinGen allele CA915948761.
Genomic context (GRCh38, chr11:77,208,795, plus strand): 5'-AAGAAGCTGTGGACCACCACGGTGCCAGGGAAGGATCCCATGGCCGATTCCATCTTCCAC[T>TATTA]ATTACCAGGTGGGCACCTCTGCACTCTAGTTGCCTTCGTGCACAGCTAGCGTTGCTGTAC-3'